The following is an entry in ClinVar:

NM_000487.6(ARSA):c.1108-56G>C

Gene: ARSA (arylsulfatase A; minus strand). Cytogenetic location: 22q13.33.
Variant type: single nucleotide variant.
Coding change: c.1108-56G>C on transcript NM_000487.6 (MANE Select); 56 bases into the intron before coding-DNA position 1108, G replaced by C.
Molecular consequence: intron variant.
Genome position (GRCh38, 1-based): chr22:50,625,737, C>G on the plus strand (G>C on the coding strand, the complement: ARSA is on the minus strand). VCF-style: chr22-50625737-C-G. GRCh37 (hg19) VCF-style: chr22-51064165-C-G.
Other names: c.850-56G>C (NM_001362782.2, NM_001085428.3); c.1108-56G>C (NM_001085427.3, NM_001085426.3, NM_001085425.3).
Identifiers: ClinVar variation 4880011 (VCV004880011.1).

ClinVar aggregate classification (germline): Uncertain significance (1 of 4 stars; one submission).

Conditions:
Metachromatic leukodystrophy (MLD). Also called: ARSA DEFICIENCY; CEREBROSIDE SULFATASE DEFICIENCY; METACHROMATIC LEUKOENCEPHALOPATHY; SULFATIDE LIPIDOSIS; Cerebral sclerosis diffuse metachromatic form; Arylsulfatase A Deficiency. Identifiers: Orphanet 512, MedGen C0023522, MONDO:0018868, OMIM 250100.

gnomAD v4.1: 2 of 1,581,314 alleles (0.00013%); highest among the groups gnomAD compares: Middle Eastern, 0.017%; no homozygotes.

Submission:

Department of Molecular Genetics, Istishari Arab Hospital
Classification: Uncertain significance for Metachromatic leukodystrophy. Last evaluated: 2026-07-21. Review status: criteria provided, single submitter. Criteria: ACMG Guidelines, 2015. Collection method: clinical testing. Allele origin: germline. Inheritance: Autosomal recessive inheritance. Affected: yes.
Comment: The ARSA c.1108-56G>C variant is a deep intronic variant predicted by in silico splicing tools to alter normal splicing. This variant was observed with very low frequency in the gnomAD v4.1.0 dataset (<0.001), and to the best of our knowledge, it was not previously reported in the literature. It is classified as a variant of uncertain significance based on the implementation of the ACMG/AMP/ClinGen SVI guidelines.